The following is an entry in ClinVar:

NM_001127222.2(CACNA1A):c.3189G>A (p.Glu1063=)

Gene: CACNA1A (calcium voltage-gated channel subunit alpha1 A; minus strand). Cytogenetic location: 19p13.13.
Variant type: single nucleotide variant.
Coding change: c.3189G>A on transcript NM_001127222.2 (MANE Select); coding-DNA position 3189, G replaced by A.
Protein change: p.Glu1063=; no amino-acid change (glutamic acid 1063 retained).
Molecular consequence: synonymous variant.
Genome position (GRCh38, 1-based): chr19:13,286,867, C>T on the plus strand (G>A on the coding strand, the complement: CACNA1A is on the minus strand). VCF-style: chr19-13286867-C-T. GRCh37 (hg19) VCF-style: chr19-13397681-C-T.
Other names: c.3201G>A, p.Glu1067= (NM_000068.4, NM_023035.3); c.3192G>A, p.Glu1064= (NM_001127221.2, NM_001174080.2).
Identifiers: ClinVar variation 1197000 (VCV001197000.30), dbSNP rs2057413345, ClinGen allele CA505785238.

ClinVar aggregate classification (germline): Likely benign. Review status: criteria provided, multiple submitters, no conflicts (2 of 4 stars). 2 submissions from 2 submitters: Likely benign (2). Last evaluated 2024-03-01.

Allele frequency attached by ClinVar (database versions not stated): TOPMed below 0.00001; gnomAD 0.00001; gnomAD exomes 0.00001.
gnomAD v4.1: 16 of 1,613,632 alleles (0.00099%); highest among the groups gnomAD compares: South Asian, 0.0033%; no homozygotes.

Submissions (2):

CeGaT Center for Human Genetics Tuebingen
Classification: Likely benign. Last evaluated: 2024-03-01. Review status: criteria provided, single submitter. Criteria: CeGaT Center For Human Genetics Tuebingen Variant Classification Criteria Version 2. Collection method: clinical testing. Allele origin: germline. Affected: yes. Observed: 2 variant alleles.
Comment: CACNA1A: BP4, BP7

GeneDx
Classification: Likely benign. Last evaluated: 2021-04-26. Review status: criteria provided, single submitter. Criteria: GeneDx Variant Classification Process June 2021. Collection method: clinical testing. Allele origin: germline. Affected: yes.